The following is an entry in ClinVar:

ClinVar aggregate classification (germline): Uncertain significance (1 of 4 stars; one submission).

Conditions:
Long QT syndrome (LQTS). Identifiers: MedGen C0023976, MeSH D008133, MONDO:0002442. Disease mechanism: loss of function. Inheritance: Various modes of inheritance.

Submission:

Labcorp Genetics (formerly Invitae), Labcorp
Classification: Uncertain significance for Long QT syndrome. Last evaluated: 2022-07-12. Review status: criteria provided, single submitter. Criteria: Invitae Variant Classification Sherloc (09022015). Collection method: clinical testing. Allele origin: germline.
Comment: This variant has not been reported in the literature in individuals affected with KCNH2-related conditions. Experimental studies and prediction algorithms are not available or were not evaluated, and the functional significance of this variant is currently unknown. In summary, the available evidence is currently insufficient to determine the role of this variant in disease. Therefore, it has been classified as a Variant of Uncertain Significance. This variant is not present in population databases (gnomAD no frequency). This variant, c.859_861dup, results in the insertion of 1 amino acid(s) of the KCNH2 protein (p.Asp287dup), but otherwise preserves the integrity of the reading frame.

NM_000238.4(KCNH2):c.856GAC[3] (p.Asp287_Ile288insAsp)

Gene: KCNH2 (potassium voltage-gated channel subfamily H member 2; minus strand). Cytogenetic location: 7q36.1.
Variant type: Microsatellite.
Coding change: c.856GAC[3] on transcript NM_000238.4 (MANE Select); three copies in a row of the 3-base unit GAC starting at c.856; the reference has two copies in a row; one copy, 3 bases duplicated.
Protein change: p.Asp287_Ile288insAsp.
Molecular consequence: inframe insertion. On other transcripts: inframe indel (5).
Genome position (GRCh38, 1-based): chr7:150,958,114-150,958,116, GTC duplicated on the plus strand (GAC on the coding strand, the reverse complement: KCNH2 is on the minus strand); duplicating any 3 consecutive bases within chr7:150,958,114-150,958,120 gives the same sequence; the position shown is the placement nearest the transcript's 3' end. VCF-style (leftmost placement, unchanged base first): chr7-150958113-T-TGTC. GRCh37 (hg19) VCF-style: chr7-150655201-T-TGTC.
Other names: c.567_569CGA[3], p.Asp191_Ile192insAsp (NM_001406753.1, NM_001406756.1); c.678_680CGA[3], p.Asp228_Ile229insAsp (NM_001406755.1); c.555_557CGA[3], p.Asp187_Ile188insAsp (NM_001406757.1); c.855_857CGA[3], p.Asp287_Ile288insAsp (NM_172056.3).
Identifiers: ClinVar variation 1501033 (VCV001501033.8), dbSNP rs2117002971, ClinGen allele CA2580614281.